The following is an entry in ClinVar:

ClinVar aggregate classification (germline): Uncertain significance (1 of 4 stars; one submission).

Conditions:
Inborn genetic diseases. Identifiers: MedGen C0950123, MeSH D030342.

gnomAD v4.1: 2 of 1,613,836 alleles (0.00012%); highest among the groups gnomAD compares: African/African-American, 0.0027%; no homozygotes.

Submission:

Ambry Genetics
Classification: Uncertain significance for Inborn genetic diseases. Last evaluated: 2026-05-11. Review status: criteria provided, single submitter. Criteria: Ambry Variant Classification Scheme 2023. Collection method: clinical testing. Allele origin: germline.
Comment: The c.698A>G (p.N233S) alteration is located in exon 10 (coding exon 9) of the TCF12 gene. This alteration results from a A to G substitution at nucleotide position 698, causing the asparagine (N) at amino acid position 233 to be replaced by a serine (S). Based on data from gnomAD, the G allele has an overall frequency of <0.001% (1/251226) total alleles studied. The highest observed frequency was 0.006% (1/16240) of African alleles. Based on insufficient or conflicting evidence, the clinical significance of this alteration remains unclear.

NM_207037.2(TCF12):c.698A>G (p.Asn233Ser)

Gene: TCF12 (transcription factor 12; plus strand). Cytogenetic location: 15q21.3.
Variant type: single nucleotide variant.
Coding change: c.698A>G on transcript NM_207037.2 (MANE Select); coding-DNA position 698, A replaced by G.
Protein change: p.Asn233Ser; replaces asparagine 233 with serine.
Molecular consequence: missense variant. On other transcripts: intron variant (1).
Genome position (GRCh38, 1-based): chr15:57,232,303, A>G. VCF-style: chr15-57232303-A-G. GRCh37 (hg19) VCF-style: chr15-57524501-A-G.
Other names: c.188A>G, p.Asn63Ser (NM_001306219.3, NM_207040.2); c.698A>G, p.Asn233Ser (NM_001322151.2, NM_001322152.2, NM_001322157.3 and 7 more transcripts); c.41A>G, p.Asn14Ser (NM_001322154.2); c.524A>G, p.Asn175Ser (NM_001322156.2, NM_001322158.2); c.118-409A>G (NM_001306220.3); c.734A>G, p.Asn245Ser (NM_001322164.2); short protein forms N14S, N175S, N233S, N245S, N63S.
Identifiers: ClinVar variation 4865377 (VCV004865377.1).